The following is an entry in ClinVar:

ClinVar aggregate classification (germline): Uncertain significance (1 of 4 stars; one submission).

Allele frequency attached by ClinVar (database versions not stated): gnomAD exomes 0.00001.
gnomAD v4.1: 6 of 1,614,128 alleles (0.00037%); highest among the groups gnomAD compares: Non-Finnish European, 0.00051%; no homozygotes.

Submission:

Labcorp Genetics (formerly Invitae), Labcorp
Classification: Uncertain significance. Last evaluated: 2022-07-09. Review status: criteria provided, single submitter. Criteria: Invitae Variant Classification Sherloc (09022015). Collection method: clinical testing. Allele origin: germline.
Comment: This sequence change replaces glutamic acid, which is acidic and polar, with lysine, which is basic and polar, at codon 424 of the CNGB1 protein (p.Glu424Lys). This variant is not present in population databases (gnomAD no frequency). This variant has not been reported in the literature in individuals affected with CNGB1-related conditions. Advanced modeling of protein sequence and biophysical properties (such as structural, functional, and spatial information, amino acid conservation, physicochemical variation, residue mobility, and thermodynamic stability) performed at Invitae indicates that this missense variant is not expected to disrupt CNGB1 protein function. In summary, the available evidence is currently insufficient to determine the role of this variant in disease. Therefore, it has been classified as a Variant of Uncertain Significance.

NM_001297.5(CNGB1):c.1270G>A (p.Glu424Lys)

Gene: CNGB1 (cyclic nucleotide gated channel subunit beta 1; minus strand). Cytogenetic location: 16q21.
Variant type: single nucleotide variant.
Coding change: c.1270G>A on transcript NM_001297.5 (MANE Select); coding-DNA position 1270, G replaced by A.
Protein change: p.Glu424Lys; replaces glutamic acid 424 with lysine.
Molecular consequence: missense variant.
Genome position (GRCh38, 1-based): chr16:57,939,532, C>T on the plus strand (G>A on the coding strand, the complement: CNGB1 is on the minus strand). VCF-style: chr16-57939532-C-T. GRCh37 (hg19) VCF-style: chr16-57973436-C-T.
Other names: c.1252G>A, p.Glu418Lys (NM_001286130.2); short protein forms E418K, E424K.
Identifiers: ClinVar variation 2015382 (VCV002015382.4), dbSNP rs2544655046, ClinGen allele CA396072974.